The following is an entry in ClinVar:

ClinVar aggregate classification (germline): Pathogenic (1 of 4 stars; one submission).

Conditions:
Severe myoclonic epilepsy in infancy (DRVT). Also called: Epileptic encephalopathy, early infantile, 6 (Dravet syndrome); SEVERE MYOCLONIC EPILEPSY OF INFANCY; DEVELOPMENTAL AND EPILEPTIC ENCEPHALOPATHY 6A; Severe Myoclonic Epilepsy in Infancy (SMEI); Dravet syndrome. Identifiers: Orphanet 33069, MedGen C0751122, MONDO:0100135, OMIM 607208.

Submission:

Center for Bioinformatics, Peking University
Classification: Pathogenic for Dravet syndrome. Last evaluated: 2014-12-20. Review status: criteria provided, single submitter. Criteria: Xu et al. (Hum Mutat. 2015). Collection method: research. Allele origin: de novo. Affected: yes. Observed: 1 variant allele. Study: University Clinical Cooperation “985 Project” PKU-2014-1-1.
Comment: Dravet syndrome (DS) probands were recruited from the outpatient and inpatient child neurology units of Peking University First Hospital from 2005 till present. The study was approved by the Ethics Committee of Peking University First Hospital and the Institutional Review Board at Peking University. Participants or their parents provided written informed consent before enrollment. We collected a total of 267 mutations from 255 families with probands diagnosed with DS in China. All probands fulfilled the clinical diagnostic criteria.

NM_001165963.4(SCN1A):c.5250_5251insGG (p.Ser1751fs)

Genes: SCN1A (sodium voltage-gated channel alpha subunit 1; minus strand), LOC102724058 (uncharacterized LOC102724058; plus strand). Cytogenetic location: 2q24.3.
Variant type: Insertion.
Coding change: c.5250_5251insGG on transcript NM_001165963.4 (MANE Select); coding-DNA positions 5250 to 5251, GG inserted.
Protein change: p.Ser1751fs; shifts the reading frame from serine 1751.
Molecular consequence: frameshift variant. On other transcripts: non-coding transcript variant (1).
Genome position: GRCh38 VCF-style: chr2-165992024-A-ACC. GRCh37 (hg19) VCF-style: chr2-166848534-A-ACC.
Other names: c.5166_5167insGG, p.Ser1723fs (NM_001165964.3, NM_001353957.2, NM_001353958.2); c.5250_5251insGG, p.Ser1751fs (NM_001202435.3, NM_001353948.2); c.5217_5218insGG, p.Ser1740fs (NM_001353949.2, NM_001353950.2, NM_001353951.2 and 2 more transcripts); c.5214_5215insGG, p.Ser1739fs (NM_001353954.2, NM_001353955.2); c.5163_5164insGG, p.Ser1722fs (NM_001353960.2); c.2808_2809insGG, p.Ser937fs (NM_001353961.2); short protein forms S1739fs, S1740fs, S1722fs, S1723fs, S1751fs, S937fs.
Identifiers: ClinVar variation 189850 (VCV000189850.1), dbSNP rs794726702, ClinGen allele CA303109.
Genomic context (GRCh38, chr2:165,992,024, plus strand): 5'-TGATGTAACTGACAAAAAAGAAAATTCCAACAGATGGGTTCCCACAGTCTCCCTTAACTG[A>ACC]GCTTCCAGGGTTAACTTTATTAGGGTCACAGTCGGGTGGCTTACTGTTGAGAATGGGTGC-3'